The following is an entry in ClinVar:

NM_022458.4(LMBR1):c.423+4919A>G

Genes: LMBR1 (limb development membrane protein 1; minus strand), ZRS (ZPA regulatory sequence; plus strand). Cytogenetic location: 7q36.3.
Variant type: single nucleotide variant.
Coding change: c.423+4919A>G on transcript NM_022458.4 (MANE Select); 4919 bases into the intron after coding-DNA position 423, A replaced by G.
Molecular consequence: intron variant.
Genome position (GRCh38, 1-based): chr7:156,791,470, T>C on the plus strand (A>G on the coding strand, the complement: LMBR1 is on the minus strand). VCF-style: chr7-156791470-T-C. GRCh37 (hg19) VCF-style: chr7-156584164-T-C.
Other names: 406A-G; c.360+4919A>G (NM_001363412.2); c.144+4919A>G (NM_001350954.2); c.423+4919A>G (NM_001363410.2, NM_001363409.2, NM_001350953.2); c.-112+4919A>G (NM_001350958.2, NM_001350956.2, NM_001350955.2 and 1 more transcripts); c.54+4919A>G (NM_001350957.2, NM_001363411.2).
Identifiers: ClinVar variation 155923 (VCV000155923.6), dbSNP rs2133321113, ClinGen allele CA2499218841.

ClinVar aggregate classification (germline): Likely pathogenic. Review status: criteria provided, multiple submitters, no conflicts (2 of 4 stars). 3 submissions from 3 submitters: Likely pathogenic (2). 1 of the submissions does not count toward it. Last evaluated 2023-12-10.

Conditions:
Tibia, hypoplasia or aplasia of, with polydactyly (THYP). Also called: Polydactyly with absent tibia; TIBIAL HEMIMELIA-POLYDACTYLY-TRIPHALANGEAL THUMBS WITH FIBULAR DIMELIA; Mesomelic Dysplasia, Werner Type; Werner mesomelic syndrome. Identifiers: Orphanet 3332, Orphanet 988, MedGen C1861098, MONDO:0008572, OMIM 188740.
Acheiropodia (ACHP). Also called: ACHEIROPODY, BRAZILIAN TYPE; Acheiropody. Identifiers: Orphanet 931, MedGen C0265559, MONDO:0008700, OMIM 200500.
Polydactyly of a triphalangeal thumb. Also called: Polydactyly, preaxial type II; POLYDACTYLY OF TRIPHALANGEAL THUMB; TRIPHALANGEAL THUMB-POLYDACTYLY SYNDROME. Identifiers: Orphanet 2439, Orphanet 2950, Orphanet 93336, MedGen C1868114, MONDO:0008270, OMIM 174500.
Laurin-Sandrow syndrome (LSS). Also called: FIBULA AND ULNA, DUPLICATION OF, WITH ABSENCE OF TIBIA AND RADIUS; MIRROR HANDS AND FEET WITH NASAL DEFECTS; SANDROW SYNDROME; TETRAMELIC MIRROR-IMAGE POLYDACTYLY. Identifiers: Orphanet 2378, MedGen C1851100, MONDO:0007615, OMIM 135750.
Syndactyly type 4. Also called: HAAS TYPE SYNDACTYLY; Syndactyly, type IV; Polysyndactyly type Haas. Identifiers: Orphanet 93405, MedGen C1861355, MONDO:0008515, OMIM 186200.
Triphalangeal thumb-polysyndactyly syndrome (TPTPS). Also called: TRIPHALANGEAL THUMB WITH POLYSYNDACTYLY; TPT-PS SYNDROME; Triphalangeal thumb with polysyndactyly syndrome. Identifiers: MedGen C5779878, MONDO:0017454, OMIM 190605.

Submissions (3):

GeneDx
Classification: Likely pathogenic. Last evaluated: 2023-12-10. Review status: criteria provided, single submitter. Criteria: GeneDx Variant Classification Process June 2021. Collection method: clinical testing. Allele origin: germline. Affected: yes.
Comment: In silico analysis supports that this variant does not alter splicing; Not observed at significant frequency in large population cohorts (gnomAD); This variant is associated with the following publications: (PMID: 32169219, 24965254, 27264804, 18156157, 31395865, 14727139)

Juno Genomics, Hangzhou Juno Genomics, Inc
Classification: Likely pathogenic for Acheiropodia; Tibia, hypoplasia or aplasia of, with polydactyly; Laurin-Sandrow syndrome; Polydactyly of a triphalangeal thumb; Syndactyly type 4; Triphalangeal thumb-polysyndactyly syndrome. Review status: criteria provided, single submitter. Criteria: ACMG Guidelines, 2015. Collection method: clinical testing. Allele origin: germline. Affected: yes.
Comment: Absent from controls (or at extremely low frequency if recessive) in Genome Aggregation Database, Exome Sequencing Project, 1000 Genomes Project, or Exome Aggregation Consortium.;The prevalence of the variant in affected individuals is significantly increased compared to the prevalence in controls.;Co-segregation with disease in multiple affected family members in a gene definitively known to cause the disease.;Patient's phenotype or family history is highly specific for a disease with a single genetic etiology.;Located in a mutational hot spot and/or critical and well-established functional domain (e.g. active site of an enzyme) without benign variation.

OMIM
Classification: Pathogenic for TIBIA, HYPOPLASIA OR APLASIA OF, WITH POLYDACTYLY. Last evaluated: 2014-08-01. Review status: no assertion criteria provided. Collection method: literature only. Allele origin: germline. Not counted in ClinVar's aggregate classification.

Literature cited by the submitters: PubMed 24965254 (cited by OMIM).